The following is an entry in ClinVar:

NM_001386795.1(DTNA):c.1743+2271C>T

Gene: DTNA (dystrobrevin alpha; plus strand). Cytogenetic location: 18q12.1.
Variant type: single nucleotide variant.
Coding change: c.1743+2271C>T on transcript NM_001386795.1 (MANE Select); 2271 bases into the intron after coding-DNA position 1743, C replaced by T.
Molecular consequence: intron variant. On other transcripts: 3 prime UTR variant (11).
Genome position (GRCh38, 1-based): chr18:34,866,333, C>T. VCF-style: chr18-34866333-C-T. GRCh37 (hg19) VCF-style: chr18-32446297-C-T.
Other names: c.*172C>T (NM_001198941.2, NM_001198945.2, NM_001386770.1 and 8 more transcripts); c.1491+2271C>T (NM_032975.4, NM_001386761.1); c.1488+2271C>T (NM_001386762.1); c.1572+2271C>T (NM_001386754.1, NM_001386755.1, NM_001386757.1 and 3 more transcripts); c.1569+2271C>T (NM_001386760.1); c.1482+2271C>T (NM_001386763.1, NM_001386764.1, NM_001198940.2 and 5 more transcripts); c.1479+2271C>T (NM_001386768.1, NM_001386769.1); c.1503+202C>T (NM_001198939.2); and 6 more.
Identifiers: ClinVar variation 326671 (VCV000326671.2), dbSNP rs507645, ClinGen allele CA10641411.
Genomic context (GRCh38, chr18:34,866,333, plus strand): 5'-CAATGTAGTGCTTGAATTGAGATATATAAATTTAGCATTTTTTATAACTATCACTACTAT[C>T]CACATCAAAAGAAGAACTATGACATCTTTTAGAAAAGGGAACGAATTGTCATTTATTGGA-3'

ClinVar aggregate classification (germline): Benign. Review status: criteria provided, multiple submitters, no conflicts (2 of 4 stars). 2 submissions from 2 submitters: Benign (2). Last evaluated 2018-06-16.

Allele frequency attached by ClinVar (database versions not stated): gnomAD exomes 0.12103; 1000 Genomes Project 0.13978; TOPMed 0.16747; 1000 Genomes Project 30x 0.14600; gnomAD 0.16863 and 0.17406.
gnomAD v4.1: 181,224 of 1,439,870 alleles (13%); highest among the groups gnomAD compares: African/African-American, 30%; 12,974 homozygotes.

Submissions (2):

GeneDx
Classification: Benign. Last evaluated: 2018-06-16. Review status: criteria provided, single submitter. Criteria: GeneDx Variant Classification (06012015). Collection method: clinical testing. Allele origin: germline. Affected: yes.
Comment: This variant is considered likely benign or benign based on one or more of the following criteria: it is a conservative change, it occurs at a poorly conserved position in the protein, it is predicted to be benign by multiple in silico algorithms, and/or has population frequency not consistent with disease.

Breakthrough Genomics
Classification: Benign. Review status: criteria provided, single submitter. Criteria: ACMG Guidelines, 2015. Collection method: not provided. Allele origin: germline. Inheritance: Autosomal dominant inheritance. Affected: yes.